The following is an entry in ClinVar:

NM_006892.4(DNMT3B):c.1144C>T (p.Arg382Cys)

Gene: DNMT3B (DNA methyltransferase 3 beta; plus strand). Cytogenetic location: 20q11.21.
Variant type: single nucleotide variant.
Coding change: c.1144C>T on transcript NM_006892.4 (MANE Select); coding-DNA position 1144, C replaced by T.
Protein change: p.Arg382Cys; replaces arginine 382 with cysteine.
Molecular consequence: missense variant.
Genome position (GRCh38, 1-based): chr20:32,795,426, C>T. VCF-style: chr20-32795426-C-T. GRCh37 (hg19) VCF-style: chr20-31383232-C-T.
Other names: c.958C>T, p.Arg320Cys (NM_001207055.2); c.856C>T, p.Arg286Cys (NM_001207056.2); c.1084C>T, p.Arg362Cys (NM_175848.2, NM_175849.2); c.1120C>T, p.Arg374Cys (NM_175850.3); short protein forms R382C, R286C, R320C, R362C, R374C.
Identifiers: ClinVar variation 450701 (VCV000450701.49), dbSNP rs35846833, ClinGen allele CA9810442.

ClinVar aggregate classification (germline): Conflicting classifications of pathogenicity. Review status: criteria provided, conflicting classifications (1 of 4 stars). 10 submissions from 10 submitters: Uncertain significance (8); Likely benign (1). 1 of the submissions does not count toward it. Last evaluated 2026-01-27.

Conditions:
Immunodeficiency-centromeric instability-facial anomalies syndrome 1 (ICF1). Identifiers: Orphanet 2268, MedGen C4551557, MONDO:0009454, OMIM 242860.
Centromeric instability of chromosomes 1,9 and 16 and immunodeficiency (ICF1). Also called: Immunodeficiency-centromeric instability-facial anomalies; IMMUNE DEFICIENCY, VARIABLE, WITH CENTROMERIC INSTABILITY OF CHROMOSOMES 1, 9, AND 16; IMMUNODEFICIENCY SYNDROME, VARIABLE; CENTROMERIC INSTABILITY, IMMUNODEFICIENCY SYNDROME. Identifiers: Orphanet 2268, MedGen C0398788, MONDO:0000133.

Allele frequency attached by ClinVar (database versions not stated): gnomAD 0.00071 and 0.00070; 1000 Genomes Project 0.00080; TOPMed 0.00085; 1000 Genomes Project 30x 0.00094; gnomAD exomes 0.00099 and 0.00056; ExAC 0.00053; ESP Exome Variant Server 0.00062.

Submissions (10):

Labcorp Genetics (formerly Invitae), Labcorp
Classification: Likely benign for Centromeric instability of chromosomes 1,9 and 16 and immunodeficiency. Last evaluated: 2026-01-27. Review status: criteria provided, single submitter. Criteria: Invitae Variant Classification Sherloc (09022015). Collection method: clinical testing. Allele origin: germline.

ARUP Laboratories, Molecular Genetics and Genomics, ARUP Laboratories
Classification: Uncertain significance. Last evaluated: 2025-05-18. Review status: criteria provided, single submitter. Criteria: ARUP Molecular Germline Variant Investigation Process 2024. Collection method: clinical testing. Allele origin: germline.
Comment: The DNMT3B c.1144C>T; p.Arg382Cys variant (rs35846833; ClinVar Variation ID: 450701) has been identified in an individual included in a cohort of facioscapulohumeral dystrophy (FSHD) patients, though no other evidence of causality was presented (Strafella 2023). This variant is found in the non-Finnish European population with an allele frequency of 0.09% (117/ 129100 alleles) in the Genome Aggregation Database (v2.1.1). Computational analyses are uncertain whether this variant is neutral or deleterious (REVEL: 0.527). Due to limited information, the clinical significance of this variant is uncertain at this time. References: Strafella C et al. Whole exome sequencing highlights rare variants in CTCF, DNMT1, DNMT3A, EZH2 and SUV39H1 as associated with FSHD. Front Genet. 2023 Aug 22;14:1235589. PMID: 37674478

Blueprint Genetics
Classification: Uncertain significance. Last evaluated: 2024-11-14. Review status: criteria provided, single submitter. Criteria: ACMG Guidelines, 2015. Collection method: clinical testing. Allele origin: germline.

CeGaT Center for Human Genetics Tuebingen
Classification: Uncertain significance. Last evaluated: 2022-12-01. Review status: criteria provided, single submitter. Criteria: CeGaT Center For Human Genetics Tuebingen Variant Classification Criteria Version 2. Collection method: clinical testing. Allele origin: germline. Affected: yes. Observed: 1 variant allele.
Comment: DNMT3B: PM2

Laboratorio de Genetica e Diagnostico Molecular, Hospital Israelita Albert Einstein
Classification: Uncertain significance. Last evaluated: 2020-03-27. Review status: criteria provided, single submitter. Criteria: ACMG Guidelines, 2015. Collection method: clinical testing. Allele origin: germline. Affected: yes.
Comment: ACMG classification criteria: PM2

Baylor Genetics
Classification: Uncertain significance for Immunodeficiency-centromeric instability-facial anomalies syndrome 1. Last evaluated: 2019-03-26. Review status: criteria provided, single submitter. Criteria: ACMG Guidelines, 2015. Collection method: clinical testing. Allele origin: paternal. Affected: yes.
Comment: This variant was determined to be of uncertain significance according to ACMG Guidelines, 2015 [PMID:25741868].

GeneDx
Classification: Uncertain significance. Last evaluated: 2018-10-09. Review status: criteria provided, single submitter. Criteria: GeneDx Variant Classification (06012015). Collection method: clinical testing. Allele origin: germline. Affected: yes.
Comment: The R382C variant in the DNMT3B gene has not been reported previously as a pathogenic variant, nor as a benign variant, to our knowledge. The R382C variant is observed in 50/66604 (0.075%) alleles from individuals of Non-Finnish European background in the ExAC dataset, and no individuals were reported to be homozygous (Lek et al., 2016). The R382C variant is a non-conservative amino acid substitution, which is likely to impact secondary protein structure as these residues differ in polarity, charge, size and/or other properties. This substitution occurs at a position that is conserved in mammals. In silico analysis predicts this variant is probably damaging to the protein structure/function. We interpret R382C as a variant of uncertain significance.

Illumina Laboratory Services, Illumina
Classification: Uncertain significance for Immunodeficiency-centromeric instability-facial anomalies syndrome 1. Last evaluated: 2017-04-27. Review status: criteria provided, single submitter. Criteria: ICSL Variant Classification Criteria 13 December 2019. Collection method: clinical testing. Allele origin: germline.

Breakthrough Genomics
Classification: Uncertain significance. Review status: criteria provided, single submitter. Criteria: ACMG Guidelines, 2015. Collection method: not provided. Allele origin: germline. Inheritance: Autosomal dominant inheritance. Affected: yes.

Department of Pathology and Laboratory Medicine, Sinai Health System
Classification: Uncertain significance. Review status: no assertion criteria provided. Collection method: clinical testing. Allele origin: unknown. Affected: yes. Study: The Canadian Open Genetics Repository (COGR). Not counted in ClinVar's aggregate classification.